The following is an entry in ClinVar:

NM_001111067.4(ACVR1):c.431T>C (p.Val144Ala)

Gene: ACVR1 (activin A receptor type 1; minus strand). Cytogenetic location: 2q24.1.
Variant type: single nucleotide variant.
Coding change: c.431T>C on transcript NM_001111067.4 (MANE Select); coding-DNA position 431, T replaced by C.
Protein change: p.Val144Ala; replaces valine 144 with alanine.
Molecular consequence: missense variant.
Genome position (GRCh38, 1-based): chr2:157,778,243, A>G on the plus strand (T>C on the coding strand, the complement: ACVR1 is on the minus strand). VCF-style: chr2-157778243-A-G. GRCh37 (hg19) VCF-style: chr2-158634755-A-G.
Other names: c.431T>C, p.Val144Ala (NM_001105.5, NM_001347663.1, NM_001347664.1 and 3 more transcripts); short protein forms V144A.
Identifiers: ClinVar variation 2997411 (VCV002997411.4), dbSNP rs775776209, ClinGen allele CA1919158.
Genomic context (GRCh38, chr2:157,778,243, plus strand): 5'-TACTCCACGTCTCGGGGATTGAGGCGTTCTTGGTTGCGCCTTTTAAATTTTCGGAGAGCA[A>G]CTCCCAGCAGGCAGGCTAAAAGACATACTGCGAACACTACAGAGAGAATAATGAGGCCAA-3'
Protein context (NP_001104537.1, residues 134-154): AVCLLACLLG[Val144Ala]ALRKFKRRNQ

ClinVar aggregate classification (germline): Uncertain significance. Review status: criteria provided, multiple submitters, no conflicts (2 of 4 stars). 2 submissions from 2 submitters: Uncertain significance (2). Last evaluated 2026-02-13.

Allele frequency attached by ClinVar (database versions not stated): TOPMed below 0.00001; ExAC 0.00001; gnomAD exomes 0.00001.
gnomAD v4.1: 3 of 1,613,798 alleles (0.00019%); highest among the groups gnomAD compares: Admixed American, 0.005%; no homozygotes.

Submissions (2):

Women's Health and Genetics/Laboratory Corporation of America, LabCorp
Classification: Uncertain significance. Last evaluated: 2026-02-13. Review status: criteria provided, single submitter. Criteria: LabCorp Variant Classification Summary - May 2015. Collection method: clinical testing. Allele origin: germline.
Comment: Variant summary: ACVR1 c.431T>C (p.Val144Ala) results in a non-conservative amino acid change in the encoded protein sequence. Algorithms developed to predict the effect of missense changes on protein structure and function are either unavailable or do not agree on the potential impact of this missense change. The variant allele was found at a frequency of 8e-06 in 251140 control chromosomes. The available data on variant occurrences in the general population are insufficient to allow any conclusion about variant significance. To our knowledge, no occurrence of c.431T>C in individuals affected with ACVR1-related conditions and no experimental evidence demonstrating its impact on protein function have been reported. ClinVar contains an entry for this variant (Variation ID: 2997411). Based on the evidence outlined above, the variant was classified as uncertain significance.

Labcorp Genetics (formerly Invitae), Labcorp
Classification: Uncertain significance. Last evaluated: 2023-01-02. Review status: criteria provided, single submitter. Criteria: Invitae Variant Classification Sherloc (09022015). Collection method: clinical testing. Allele origin: germline.
Comment: This variant has not been reported in the literature in individuals affected with ACVR1-related conditions. In summary, the available evidence is currently insufficient to determine the role of this variant in disease. Therefore, it has been classified as a Variant of Uncertain Significance. Algorithms developed to predict the effect of missense changes on protein structure and function are either unavailable or do not agree on the potential impact of this missense change (SIFT: "Deleterious"; PolyPhen-2: "Benign"; Align-GVGD: "Class C0"). This variant is present in population databases (rs775776209, gnomAD 0.006%). This sequence change replaces valine, which is neutral and non-polar, with alanine, which is neutral and non-polar, at codon 144 of the ACVR1 protein (p.Val144Ala).